The following is an entry in ClinVar:

NM_001332.4(CTNND2):c.1331C>G (p.Pro444Arg)

Gene: CTNND2 (catenin delta 2; minus strand). Cytogenetic location: 5p15.2.
Variant type: single nucleotide variant.
Coding change: c.1331C>G on transcript NM_001332.4 (MANE Select); coding-DNA position 1331, C replaced by G.
Protein change: p.Pro444Arg; replaces proline 444 with arginine.
Molecular consequence: missense variant. On other transcripts: non-coding transcript variant (1).
Genome position (GRCh38, 1-based): chr5:11,364,737, G>C on the plus strand (C>G on the coding strand, the complement: CTNND2 is on the minus strand). VCF-style: chr5-11364737-G-C. GRCh37 (hg19) VCF-style: chr5-11364849-G-C.
Other names: c.1058C>G, p.Pro353Arg (NM_001288715.1); c.320C>G, p.Pro107Arg (NM_001288716.1, NM_001364128.2); c.32C>G, p.Pro11Arg (NM_001288717.2); short protein forms P107R, P11R, P353R, P444R.
Identifiers: ClinVar variation 1334635 (VCV001334635.4), dbSNP rs2149771542, ClinGen allele CA359279535.

ClinVar aggregate classification (germline): Uncertain significance (1 of 4 stars; one submission).

Submission:

Greenwood Genetic Center Diagnostic Laboratories, Greenwood Genetic Center
Classification: Uncertain significance. Last evaluated: 2021-04-27. Review status: criteria provided, single submitter. Criteria: ACMG Guidelines, 2015. Collection method: clinical testing. Allele origin: germline. Affected: yes.
Comment: BP4, PM2